The following is an entry in ClinVar:

ClinVar aggregate classification (germline): Benign. Review status: criteria provided, multiple submitters, no conflicts (2 of 4 stars). 6 submissions from 6 submitters: Benign (5). 1 of the submissions does not count toward it. Last evaluated 2026-02-04.

Conditions:
Pyruvate dehydrogenase E3-binding protein deficiency (PDHXD). Also called: LACTIC ACIDEMIA DUE TO DEFECT IN LIPOYL-CONTAINING COMPONENT X OF THE PYRUVATE DEHYDROGENASE COMPLEX; E3-Binding Protein (Component X) Deficiency; Lacticacidemia due to PDX1 deficiency; PYRUVATE HYDROGENASE E3-BINDING PROTEIN DEFICIENCY. Identifiers: Orphanet 255182, MedGen C1855553, MONDO:0009503, OMIM 245349.

Allele frequency attached by ClinVar (database versions not stated): ExAC 0.13841; 1000 Genomes Project 0.19249; gnomAD 0.19588 and 0.19027; gnomAD exomes 0.11848 and 0.12772; ESP Exome Variant Server 0.20569; TOPMed 0.19939; 1000 Genomes Project 30x 0.20066.
gnomAD v4.1: 202,542 of 1,612,854 alleles (13%); highest among the groups gnomAD compares: African/African-American, 39%; 15,944 homozygotes.

Submissions (6):

Labcorp Genetics (formerly Invitae), Labcorp
Classification: Benign. Last evaluated: 2026-02-04. Review status: criteria provided, single submitter. Criteria: Invitae Variant Classification Sherloc (09022015). Collection method: clinical testing. Allele origin: germline.

Illumina Laboratory Services, Illumina
Classification: Benign for Pyruvate dehydrogenase E3-binding protein deficiency. Last evaluated: 2018-01-13. Review status: criteria provided, single submitter. Criteria: ICSL Variant Classification Criteria 13 December 2019. Collection method: clinical testing. Allele origin: germline.
Comment: This variant was observed in the ICSL laboratory as part of a predisposition screen in an ostensibly healthy population. It had not been previously curated by ICSL or reported in the Human Gene Mutation Database (HGMD: prior to June 1st, 2018), and was therefore a candidate for classification through an automated scoring system. Utilizing variant allele frequency, disease prevalence and penetrance estimates, and inheritance mode, an automated score was calculated to assess if this variant is too frequent to cause the disease. Based on the score and internal cut-off values, a variant classified as benign is not then subjected to further curation. The score for this variant resulted in a classification of benign for this disease.

Eurofins Ntd Llc (ga)
Classification: Benign. Last evaluated: 2016-02-13. Review status: criteria provided, single submitter. Criteria: EGL Classification Definitions 2015. Collection method: clinical testing. Allele origin: germline. Observed: 2 variant alleles, 2 heterozygotes.

GeneDx
Classification: Benign. Last evaluated: 2015-03-03. Review status: criteria provided, single submitter. Criteria: GeneDx Variant Classification Process June 2021. Collection method: clinical testing. Allele origin: germline. Affected: yes.

Breakthrough Genomics
Classification: Benign. Review status: criteria provided, single submitter. Criteria: ACMG Guidelines, 2015. Collection method: not provided. Allele origin: germline. Inheritance: Autosomal recessive inheritance. Affected: yes.

Mayo Clinic Laboratories, Mayo Clinic
Classification: Benign. Last evaluated: 2016-02-23. Review status: no assertion criteria provided. Collection method: clinical testing. Allele origin: unknown. Not counted in ClinVar's aggregate classification.

NM_003477.3(PDHX):c.67C>T (p.Arg23Cys)

Genes: PDHX (pyruvate dehydrogenase complex component X; plus strand), LOC130005549 (ATAC-STARR-seq lymphoblastoid active region 4608; plus strand). Cytogenetic location: 11p13.
Variant type: single nucleotide variant.
Coding change: c.67C>T on transcript NM_003477.3 (MANE Select); coding-DNA position 67, C replaced by T.
Protein change: p.Arg23Cys; replaces arginine 23 with cysteine.
Molecular consequence: missense variant. On other transcripts: intron variant (1).
Genome position (GRCh38, 1-based): chr11:34,916,722, C>T. VCF-style: chr11-34916722-C-T. GRCh37 (hg19) VCF-style: chr11-34938269-C-T.
Other names: c.67C>T, p.Arg23Cys (NM_001166158.2); c.-21+236C>T (NM_001135024.2); short protein forms R23C.
Identifiers: ClinVar variation 286347 (VCV000286347.22), dbSNP rs1049306, ClinGen allele CA5945726.
Genomic context (GRCh38, chr11:34,916,722, plus strand): 5'-GCCTCCTGGAGGCTGGGCTGTGATCCGCGGCTGCTGCGTTATCTTGTGGGCTTCCCCGGC[C>T]GCCGAAGCGTAGGGCTGGTGAAGGGGGCTCTTGGGTGGTCTGTAAGCCGCGGAGCTAATT-3'
Protein context (NP_003468.2, residues 13-33): LLRYLVGFPG[Arg23Cys]RSVGLVKGAL